The following is an entry in ClinVar:

ClinVar aggregate classification (germline): Uncertain significance (1 of 4 stars; one submission).

Conditions:
Inborn genetic diseases. Identifiers: MedGen C0950123, MeSH D030342.

Submission:

Ambry Genetics
Classification: Uncertain significance for Inborn genetic diseases. Last evaluated: 2025-01-27. Review status: criteria provided, single submitter. Criteria: Ambry Variant Classification Scheme 2023. Collection method: clinical testing. Allele origin: germline.
Comment: The p.M437T variant (also known as c.1310T>C), located in coding exon 5 of the GATA2 gene, results from a T to C substitution at nucleotide position 1310. The methionine at codon 437 is replaced by threonine, an amino acid with similar properties. This amino acid position is conserved. In addition, this alteration is predicted to be deleterious by in silico analysis. Based on the available evidence, the clinical significance of this variant remains unclear.

NM_032638.5(GATA2):c.1310T>C (p.Met437Thr)

Gene: GATA2 (GATA binding protein 2; minus strand). Cytogenetic location: 3q21.3.
Variant type: single nucleotide variant.
Coding change: c.1310T>C on transcript NM_032638.5 (MANE Select); coding-DNA position 1310, T replaced by C.
Protein change: p.Met437Thr; replaces methionine 437 with threonine.
Molecular consequence: missense variant.
Genome position (GRCh38, 1-based): chr3:128,481,152, A>G on the plus strand (T>C on the coding strand, the complement: GATA2 is on the minus strand). VCF-style: chr3-128481152-A-G. GRCh37 (hg19) VCF-style: chr3-128199995-A-G.
Other names: c.1310T>C, p.Met437Thr (NM_001145661.2); c.1268T>C, p.Met423Thr (NM_001145662.1); short protein forms M437T, M423T.
Identifiers: ClinVar variation 3853025 (VCV003853025.1).